The following is an entry in ClinVar:

ClinVar aggregate classification (germline): Uncertain significance (1 of 4 stars; one submission).

Conditions:
Hereditary cancer-predisposing syndrome. Also called: Hereditary Cancer Syndrome; Hereditary neoplastic syndrome; Neoplastic Syndromes, Hereditary; Tumor predisposition. Identifiers: Orphanet 140162, MedGen C0027672, MeSH D009386, MONDO:0015356.

Submission:

Ambry Genetics
Classification: Uncertain significance for Hereditary cancer-predisposing syndrome. Last evaluated: 2022-02-01. Review status: criteria provided, single submitter. Criteria: Ambry Variant Classification Scheme 2023. Collection method: clinical testing. Allele origin: germline.
Comment: The c.-5C>T variant is located in the 5' untranslated region (5&rsquo; UTR) of the SDHC gene. This variant results from a C to T substitution 5 bases upstream from the first translated codon. This nucleotide position is poorly conserved in available vertebrate species. Since supporting evidence is limited at this time, the clinical significance of this alteration remains unclear.

NM_003001.5(SDHC):c.-5C>T

Gene: SDHC (succinate dehydrogenase complex subunit C; plus strand). Cytogenetic location: 1q23.3.
Variant type: single nucleotide variant.
Coding change: c.-5C>T on transcript NM_003001.5 (MANE Select); 5 bases upstream of the start codon, C replaced by T.
Molecular consequence: 5 prime UTR variant.
Genome position (GRCh38, 1-based): chr1:161,314,401, C>T. VCF-style: chr1-161314401-C-T. GRCh37 (hg19) VCF-style: chr1-161284191-C-T.
Other names: c.-5C>T (NM_001035511.3, NM_001035512.3, NM_001035513.3 and 6 more transcripts); c.-565C>T (NM_001407119.1); c.-234C>T (NM_001407120.1).
Identifiers: ClinVar variation 1750990 (VCV001750990.2), dbSNP rs1457212522, ClinGen allele CA526856673.